The following is an entry in ClinVar:

NM_032266.5(SPATA31H1):c.13038G>C (p.Leu4346=)

Gene: SPATA31H1 (SPATA31 subfamily H member 1; plus strand). Cytogenetic location: 2p23.3.
Variant type: single nucleotide variant.
Coding change: c.13038G>C on transcript NM_032266.5 (MANE Select); coding-DNA position 13038, G replaced by C.
Protein change: p.Leu4346=; no amino-acid change (leucine 4346 retained).
Molecular consequence: synonymous variant.
Genome position (GRCh38, 1-based): chr2:27,579,398, G>C. VCF-style: chr2-27579398-G-C. GRCh37 (hg19) VCF-style: chr2-27802265-G-C.
Identifiers: ClinVar variation 4822524 (VCV004822524.4).
Genomic context (GRCh38, chr2:27,579,398, plus strand): 5'-TCAATCTATTCAGAATTTATTTGGGATTCCAGCTGAACTGATGGAACCTTCCCAGAGCCT[G>C]CCAGAGAAGGGTCCAGTTACTATTTCTCAGCCTTCTGTGGTCAAAAACTATATTCAGAGA-3'
Protein context (NP_115642.4, residues 4336-4356): PAELMEPSQS[Leu4346=]PEKGPVTISQ

ClinVar aggregate classification (germline): Likely benign (1 of 4 stars; one submission).

gnomAD v4.1: 172 of 1,614,194 alleles (0.011%); highest among the groups gnomAD compares: African/African-American, 0.2%; no homozygotes.

Submission:

CeGaT Center for Human Genetics Tuebingen
Classification: Likely benign. Last evaluated: 2026-01-01. Review status: criteria provided, single submitter. Criteria: CeGaT Center For Human Genetics Tuebingen Variant Classification Criteria Version 2. Collection method: clinical testing. Allele origin: germline. Affected: yes. Observed: 1 variant allele.
Comment: SPATA31H1: BP4, BP7